The following is an entry in ClinVar:

NM_152594.3(SPRED1):c.1104C>G (p.Cys368Trp)

Gene: SPRED1 (sprouty related EVH1 domain containing 1; plus strand). Cytogenetic location: 15q14.
Variant type: single nucleotide variant.
Coding change: c.1104C>G on transcript NM_152594.3 (MANE Select); coding-DNA position 1104, C replaced by G.
Protein change: p.Cys368Trp; replaces cysteine 368 with tryptophan.
Molecular consequence: missense variant.
Genome position (GRCh38, 1-based): chr15:38,351,433, C>G. VCF-style: chr15-38351433-C-G. GRCh37 (hg19) VCF-style: chr15-38643634-C-G.
Other names: short protein forms C368W.
Identifiers: ClinVar variation 3800912 (VCV003800912.1).

ClinVar aggregate classification (germline): Uncertain significance (1 of 4 stars; one submission).

Conditions:
Cardiovascular phenotype. Identifiers: MedGen CN230736.

Submission:

Ambry Genetics
Classification: Uncertain significance for Cardiovascular phenotype. Last evaluated: 2025-01-29. Review status: criteria provided, single submitter. Criteria: Ambry Variant Classification Scheme 2023. Collection method: clinical testing. Allele origin: germline.
Comment: The p.C368W variant (also known as c.1104C>G), located in coding exon 7 of the SPRED1 gene, results from a C to G substitution at nucleotide position 1104. The cysteine at codon 368 is replaced by tryptophan, an amino acid with highly dissimilar properties. This amino acid position is conserved. In addition, this alteration is predicted to be deleterious by in silico analysis. Based on the available evidence, the clinical significance of this variant remains unclear.